The following is an entry in ClinVar:

ClinVar aggregate classification (germline): Uncertain significance (1 of 4 stars; one submission).

Conditions:
Early-infantile DEE. Also called: Ohtahara syndrome; Early infantile epileptic encephalopathy with suppression bursts; Early infantile epileptic encephalopathy. Identifiers: Orphanet 1934, MedGen C0393706, MONDO:0800491.

Submission:

Labcorp Genetics (formerly Invitae), Labcorp
Classification: Uncertain significance for Early-infantile DEE. Last evaluated: 2023-05-15. Review status: criteria provided, single submitter. Criteria: Invitae Variant Classification Sherloc (09022015). Collection method: clinical testing. Allele origin: germline.
Comment: In summary, the available evidence is currently insufficient to determine the role of this variant in disease. Therefore, it has been classified as a Variant of Uncertain Significance. Advanced modeling of protein sequence and biophysical properties (such as structural, functional, and spatial information, amino acid conservation, physicochemical variation, residue mobility, and thermodynamic stability) has been performed at Invitae for this missense variant, however the output from this modeling did not meet the statistical confidence thresholds required to predict the impact of this variant on SCN1A protein function. ClinVar contains an entry for this variant (Variation ID: 853086). This variant has not been reported in the literature in individuals affected with SCN1A-related conditions. This variant is not present in population databases (gnomAD no frequency). This sequence change replaces methionine, which is neutral and non-polar, with lysine, which is basic and polar, at codon 1533 of the SCN1A protein (p.Met1533Lys).

NM_001165963.4(SCN1A):c.4598T>A (p.Met1533Lys)

Genes: SCN1A (sodium voltage-gated channel alpha subunit 1; minus strand), LOC102724058 (uncharacterized LOC102724058; plus strand). Cytogenetic location: 2q24.3.
Variant type: single nucleotide variant.
Coding change: c.4598T>A on transcript NM_001165963.4 (MANE Select); coding-DNA position 4598, T replaced by A.
Protein change: p.Met1533Lys; replaces methionine 1533 with lysine.
Molecular consequence: missense variant. On other transcripts: non-coding transcript variant (1).
Genome position (GRCh38, 1-based): chr2:165,994,400, A>T on the plus strand (T>A on the coding strand, the complement: SCN1A is on the minus strand). VCF-style: chr2-165994400-A-T. GRCh37 (hg19) VCF-style: chr2-166850910-A-T.
Other names: c.4514T>A, p.Met1505Lys (NM_001165964.3, NM_001353957.2, NM_001353958.2); c.4598T>A, p.Met1533Lys (NM_001202435.3, NM_001353948.2); c.4565T>A, p.Met1522Lys (NM_001353949.2, NM_001353950.2, NM_001353951.2 and 2 more transcripts); c.4562T>A, p.Met1521Lys (NM_001353954.2, NM_001353955.2); c.4511T>A, p.Met1504Lys (NM_001353960.2); c.2156T>A, p.Met719Lys (NM_001353961.2); short protein forms M1505K, M1533K, M1522K, M719K, M1504K, M1521K.
Identifiers: ClinVar variation 853086 (VCV000853086.10), dbSNP rs1689722313, ClinGen allele CA349072346.